The following is an entry in ClinVar:

NM_013372.7(GREM1):c.86C>A (p.Ser29Tyr)

Gene: GREM1 (gremlin 1, DAN family BMP antagonist; plus strand). Cytogenetic location: 15q13.3.
Variant type: single nucleotide variant.
Coding change: c.86C>A on transcript NM_013372.7 (MANE Select); coding-DNA position 86, C replaced by A.
Protein change: p.Ser29Tyr; replaces serine 29 with tyrosine.
Molecular consequence: missense variant. On other transcripts: intron variant (1).
Genome position (GRCh38, 1-based): chr15:32,730,776, C>A. VCF-style: chr15-32730776-C-A. GRCh37 (hg19) VCF-style: chr15-33022977-C-A.
Other names: c.86C>A, p.Ser29Tyr (NM_001191323.2, NM_001368719.1); c.27+59C>A (NM_001191322.2); short protein forms S29Y.
Identifiers: ClinVar variation 3855654 (VCV003855654.1).

ClinVar aggregate classification (germline): Uncertain significance (1 of 4 stars; one submission).

Conditions:
Hereditary cancer-predisposing syndrome. Also called: Hereditary neoplastic syndrome; Neoplastic Syndromes, Hereditary; Tumor predisposition; Hereditary Cancer Syndrome. Identifiers: Orphanet 140162, MedGen C0027672, MeSH D009386, MONDO:0015356.

Submission:

Ambry Genetics
Classification: Uncertain significance for Hereditary cancer-predisposing syndrome. Last evaluated: 2024-12-20. Review status: criteria provided, single submitter. Criteria: Ambry Variant Classification Scheme 2023. Collection method: clinical testing. Allele origin: germline.
Comment: The p.S29Y variant (also known as c.86C>A), located in coding exon 1 of the GREM1 gene, results from a C to A substitution at nucleotide position 86. The serine at codon 29 is replaced by tyrosine, an amino acid with dissimilar properties. This amino acid position is conserved. In addition, the in silico prediction for this alteration is inconclusive. Based on the available evidence, the clinical significance of this variant remains unclear.